The following is an entry in ClinVar:

ClinVar aggregate classification (germline): Likely benign (1 of 4 stars; one submission).

Allele frequency attached by ClinVar (database versions not stated): gnomAD exomes below 0.00001; ExAC 0.00001.
gnomAD v4.1: 1 of 1,613,732 alleles (0.000062%); highest among the groups gnomAD compares: East Asian, 0.0022%; no homozygotes.

Submission:

CeGaT Center for Human Genetics Tuebingen
Classification: Likely benign. Last evaluated: 2022-10-01. Review status: criteria provided, single submitter. Criteria: CeGaT Center For Human Genetics Tuebingen Variant Classification Criteria Version 2. Collection method: clinical testing. Allele origin: germline. Affected: yes. Observed: 1 variant allele.
Comment: TNR: BP4, BP7

NM_003285.3(TNR):c.15G>A (p.Gly5=)

Gene: TNR (tenascin R; minus strand). Cytogenetic location: 1q25.1.
Variant type: single nucleotide variant.
Coding change: c.15G>A on transcript NM_003285.3 (MANE Select); coding-DNA position 15, G replaced by A.
Protein change: p.Gly5=; no amino-acid change (glycine 5 retained).
Molecular consequence: synonymous variant. On other transcripts: 5 prime UTR variant (1).
Genome position (GRCh38, 1-based): chr1:175,406,700, C>T on the plus strand (G>A on the coding strand, the complement: TNR is on the minus strand). VCF-style: chr1-175406700-C-T. GRCh37 (hg19) VCF-style: chr1-175375836-C-T.
Other names: c.-881G>A (NM_001328635.2).
Identifiers: ClinVar variation 2639577 (VCV002639577.24), dbSNP rs749598914, ClinGen allele CA1256262.